The following is an entry in ClinVar:

NM_001356.5(DDX3X):c.1399G>T (p.Ala467Ser)

Gene: DDX3X (DEAD-box helicase 3 X-linked; plus strand). Cytogenetic location: Xp11.4.
Variant type: single nucleotide variant.
Coding change: c.1399G>T on transcript NM_001356.5 (MANE Select); coding-DNA position 1399, G replaced by T.
Protein change: p.Ala467Ser; replaces alanine 467 with serine.
Molecular consequence: missense variant. On other transcripts: non-coding transcript variant (1).
Genome position (GRCh38, 1-based): chrX:41,346,312, G>T. VCF-style: chrX-41346312-G-T. GRCh37 (hg19) VCF-style: chrX-41205565-G-T.
Other names: c.1399G>T, p.Ala467Ser (NM_001193416.3); c.1351G>T, p.Ala451Ser (NM_001193417.3); c.841G>T, p.Ala281Ser (NM_001363819.1); short protein forms A281S, A451S, A467S.
Identifiers: ClinVar variation 1342017 (VCV001342017.2), dbSNP rs2147358490, ClinGen allele CA412774987.
Genomic context (GRCh38, chrX:41,346,312, plus strand): 5'-TTTGTGGAGACCAAAAAGGGTGCAGATTCTCTGGAGGATTTCTTATACCATGAAGGATAC[G>T]CATGTACCAGCATCCATGGAGACCGTTCTCAGAGGGATAGAGAAGAGGCCCTTCACCAGT-3'
Protein context (NP_001347.3, residues 457-477): LEDFLYHEGY[Ala467Ser]CTSIHGDRSQ

ClinVar aggregate classification (germline): not provided (0 of 4 stars; one submission).

Conditions:
Intellectual disability, X-linked 102 (MRXSSB). Also called: Intellectual developmental disorder, X-linked syndromic, Snijders Blok type. Identifiers: Orphanet 457260, MedGen C5393299, MONDO:0010497, OMIM 300958.

Submission:

GeneReviews
No classification provided. Condition: Intellectual disability, X-linked 102. Review status: no classification provided. Collection method: literature only. Allele origin: germline.

Literature cited by the submitters: PubMed 32135084; NCBI Bookshelf NBK561282.